The following is an entry in ClinVar:

NM_000059.4(BRCA2):c.6764C>T (p.Thr2255Ile)

Gene: BRCA2 (BRCA2 DNA repair associated; plus strand). Cytogenetic location: 13q13.1.
Variant type: single nucleotide variant.
Coding change: c.6764C>T on transcript NM_000059.4 (MANE Select); coding-DNA position 6764, C replaced by T.
Protein change: p.Thr2255Ile; replaces threonine 2255 with isoleucine.
Molecular consequence: missense variant.
Genome position (GRCh38, 1-based): chr13:32,341,119, C>T. VCF-style: chr13-32341119-C-T. GRCh37 (hg19) VCF-style: chr13-32915256-C-T.
Other names: c.6764C>T, p.Thr2255Ile (NM_001406719.1, NM_001406720.1); short protein forms T2255I.
Identifiers: ClinVar variation 1713624 (VCV001713624.11), dbSNP rs2137530514, ClinGen allele CA387791195.
Genomic context (GRCh38, chr13:32,341,119, plus strand): 5'-TGGAAGATGATGAACTGACAGATTCTAAACTGCCAAGTCATGCCACACATTCTCTTTTTA[C>T]ATGTCCCGAAAATGAGGAAATGGTTTTGTCAAATTCAAGAATTGGAAAAAGAAGAGGAGA-3'
Protein context (NP_000050.3, residues 2245-2265): LPSHATHSLF[Thr2255Ile]CPENEEMVLS

ClinVar aggregate classification (germline): Conflicting classifications of pathogenicity. Review status: criteria provided, conflicting classifications (1 of 4 stars). 6 submissions from 6 submitters: Uncertain significance (4); Likely benign (2). Last evaluated 2025-03-30.

Conditions:
Hereditary cancer-predisposing syndrome. Also called: Hereditary neoplastic syndrome; Neoplastic Syndromes, Hereditary; Tumor predisposition; Hereditary Cancer Syndrome. Identifiers: Orphanet 140162, MedGen C0027672, MeSH D009386, MONDO:0015356.
Hereditary cancer. Identifiers: MedGen C1333600.
Familial prostate cancer. Also called: Hereditary Prostate Cancer. Identifiers: MedGen C2931456, MONDO:0700275, OMIM 176807.
Hereditary breast ovarian cancer syndrome. Also called: BRCA1- and BRCA2-Associated Hereditary Breast and Ovarian Cancer; Hereditary breast and ovarian cancer syndrome (HBOC); Hereditary breast and ovarian cancer syndrome; Hereditary breast and ovarian cancer; Breast and ovarian cancer; Hereditary breast and/or ovarian cancer syndrome. Identifiers: Orphanet 145, MedGen C0677776, MeSH D061325, MONDO:0003582. Disease mechanism: loss of function.

Allele frequency attached by ClinVar (database versions not stated): gnomAD exomes below 0.00001.
gnomAD v4.1: 1 of 1,613,952 alleles (0.000062%); highest among the groups gnomAD compares: Non-Finnish European, 0.000085%; no homozygotes.

Submissions (6):

Labcorp Genetics (formerly Invitae), Labcorp
Classification: Uncertain significance for Hereditary breast ovarian cancer syndrome. Last evaluated: 2025-03-30. Review status: criteria provided, single submitter. Criteria: Invitae Variant Classification Sherloc (09022015). Collection method: clinical testing. Allele origin: germline.
Comment: This sequence change replaces threonine, which is neutral and polar, with isoleucine, which is neutral and non-polar, at codon 2255 of the BRCA2 protein (p.Thr2255Ile). This variant is not present in population databases (gnomAD no frequency). This variant has not been reported in the literature in individuals affected with BRCA2-related conditions. ClinVar contains an entry for this variant (Variation ID: 1713624). Invitae Evidence Modeling of protein sequence and biophysical properties (such as structural, functional, and spatial information, amino acid conservation, physicochemical variation, residue mobility, and thermodynamic stability) indicates that this missense variant is not expected to disrupt BRCA2 protein function with a negative predictive value of 95%. In summary, the available evidence is currently insufficient to determine the role of this variant in disease. Therefore, it has been classified as a Variant of Uncertain Significance.

Center for Genomic Medicine, Rigshospitalet, Copenhagen University Hospital
Classification: Likely benign. Last evaluated: 2025-03-04. Review status: criteria provided, single submitter. Criteria: ACMG Guidelines, 2015. Collection method: clinical testing. Allele origin: germline.
Comment: Classification criteria: BP1_Strong

Mendelics
Classification: Uncertain significance for Hereditary cancer. Last evaluated: 2025-02-26. Review status: criteria provided, single submitter. Criteria: ACMG Guidelines, 2015. Collection method: clinical testing. Allele origin: unknown.
Comment: The available evidence is insufficient to conclusively determine the role of this variant. Therefore, it is classified as a Variant of Uncertain Significance.

Department of Pathology and Laboratory Medicine, Sinai Health System
Classification: Uncertain significance for Familial prostate cancer. Last evaluated: 2023-09-18. Review status: criteria provided, single submitter. Criteria: ACMG Guidelines, 2015. Collection method: clinical testing. Allele origin: germline. Affected: yes.

University of Washington Department of Laboratory Medicine, University of Washington
Classification: Likely benign for Hereditary cancer-predisposing syndrome. Last evaluated: 2023-03-23. Review status: criteria provided, single submitter. Criteria: Dines et al. (Genet Med. 2020). Collection method: curation. Allele origin: germline.
Comment: Missense variant in a coldspot region where missense variants are very unlikely to be pathogenic (PMID:31911673).

BRCA2 exon 11 coldspot. Reclassification based on statistical prior probability.

Ambry Genetics
Classification: Uncertain significance for Hereditary cancer-predisposing syndrome. Last evaluated: 2016-12-13. Review status: criteria provided, single submitter. Criteria: Ambry Variant Classification Scheme 2023. Collection method: clinical testing. Allele origin: germline.
Comment: The p.T2255I variant (also known as c.6764C>T), located in coding exon 10 of the BRCA2 gene, results from a C to T substitution at nucleotide position 6764. The threonine at codon 2255 is replaced by isoleucine, an amino acid with similar properties. This amino acid position is not well conserved in available vertebrate species. In addition, the in silico prediction for this alteration is inconclusive. Since supporting evidence is limited at this time, the clinical significance of this alteration remains unclear.